The following is an entry in ClinVar:

ClinVar aggregate classification (germline): Uncertain significance (1 of 4 stars; one submission).

Conditions:
Nemaline myopathy 6 (NEM6). Also called: Nemaline myopathy 6, autosomal dominant. Identifiers: Orphanet 171439, MedGen C1836472, MONDO:0012237, OMIM 609273.

Submission:

Labcorp Genetics (formerly Invitae), Labcorp
Classification: Uncertain significance for Nemaline myopathy 6. Last evaluated: 2023-07-29. Review status: criteria provided, single submitter. Criteria: Invitae Variant Classification Sherloc (09022015). Collection method: clinical testing. Allele origin: germline.
Comment: In summary, the available evidence is currently insufficient to determine the role of this variant in disease. Therefore, it has been classified as a Variant of Uncertain Significance. An algorithm developed to predict the effect of missense changes on protein structure and function (PolyPhen-2) suggests that this variant is likely to be disruptive. This variant has not been reported in the literature in individuals affected with KBTBD13-related conditions. This variant is not present in population databases (gnomAD no frequency). This sequence change replaces glycine, which is neutral and non-polar, with arginine, which is basic and polar, at codon 391 of the KBTBD13 protein (p.Gly391Arg).

NM_001101362.3(KBTBD13):c.1171G>A (p.Gly391Arg)

Gene: KBTBD13 (kelch repeat and BTB domain containing 13; plus strand). Cytogenetic location: 15q22.31.
Variant type: single nucleotide variant.
Coding change: c.1171G>A on transcript NM_001101362.3 (MANE Select); coding-DNA position 1171, G replaced by A.
Protein change: p.Gly391Arg; replaces glycine 391 with arginine.
Molecular consequence: missense variant.
Genome position (GRCh38, 1-based): chr15:65,077,986, G>A. VCF-style: chr15-65077986-G-A. GRCh37 (hg19) VCF-style: chr15-65370324-G-A.
Other names: short protein forms G391R.
Identifiers: ClinVar variation 2748360 (VCV002748360.3), dbSNP rs2506312523, ClinGen allele CA392865669.
Genomic context (GRCh38, chr15:65,077,986, plus strand): 5'-TGTCTCAACCTGGCCACGGGCCAGTGGACGGCGCTGCCCGGCCAGTTCGTCAACAGCAAG[G>A]GAGCGCTCTTCACGGCCGTGGTGCGCGGTGACACCGTCTATACGGTCAACCGCATGTTCA-3'
Protein context (NP_001094832.1, residues 381-401): ALPGQFVNSK[Gly391Arg]ALFTAVVRGD